The following is an entry in ClinVar:

ClinVar aggregate classification (germline): Uncertain significance. Review status: criteria provided, multiple submitters, no conflicts (2 of 4 stars). 4 submissions from 4 submitters: Uncertain significance (3). 1 of the submissions does not count toward it. Last evaluated 2026-01-02.

Conditions:
Developmental and epileptic encephalopathy, 1 (DEE1). Also called: X-linked infantile spasms; West's syndrome; Tonic spasms with clustering, arrest of psychomotor development and hypsarrhythmia on EEG; X-Linked Infantile Spasm Syndrome; OHTAHARA SYNDROME, X-LINKED; INFANTILE SPASM SYNDROME, X-LINKED 1. Identifiers: MedGen C3463992, MONDO:0010632, OMIM 308350. Disease mechanism: loss of function.
Intellectual disability, X-linked, with or without seizures, ARX-related. Also called: INTELLECTUAL DEVELOPMENTAL DISORDER, X-LINKED 29; Mental retardation, X-linked 52; MENTAL RETARDATION, X-LINKED 29; MENTAL RETARDATION, X-LINKED 32; MENTAL RETARDATION, X-LINKED 33; MENTAL RETARDATION, X-LINKED 38. Identifiers: Orphanet 777, MedGen C0796244, MONDO:0010317, OMIM 300419.

Submissions (4):

Women's Health and Genetics/Laboratory Corporation of America, LabCorp
Classification: Uncertain significance. Last evaluated: 2026-01-02. Review status: criteria provided, single submitter. Criteria: LabCorp Variant Classification Summary - May 2015. Collection method: clinical testing. Allele origin: germline.
Comment: Variant summary: ARX c.453_458dupGGCCGC (p.Ala154_Ala155dup) results in an in-frame duplication that is predicted to duplicate two amino acids into the encoded protein. The variant was absent in 2528 control chromosomes. The available data on variant occurrences in the general population are insufficient to allow any conclusion about variant significance. To our knowledge, no occurrence of c.453_458dupGGCCGC in individuals affected with ARX-related conditions and no experimental evidence demonstrating its impact on protein function have been reported. ClinVar contains an entry for this variant (Variation ID: 96456). Based on the evidence outlined above, the variant was classified as uncertain significance.

Labcorp Genetics (formerly Invitae), Labcorp
Classification: Uncertain significance for Developmental and epileptic encephalopathy, 1; Intellectual disability, X-linked, with or without seizures, ARX-related. Last evaluated: 2025-11-03. Review status: criteria provided, single submitter. Criteria: Invitae Variant Classification Sherloc (09022015). Collection method: clinical testing. Allele origin: germline.
Comment: This variant, c.453_458dup, results in the insertion of 2 amino acid(s) of the ARX protein (p.Ala154_Ala155dup), but otherwise preserves the integrity of the reading frame. The frequency data for this variant in the population databases is considered unreliable, as metrics indicate insufficient coverage at this position in the gnomAD database. This variant has not been reported in the literature in individuals affected with ARX-related conditions. ClinVar contains an entry for this variant (Variation ID: 96456). Experimental studies and prediction algorithms are not available or were not evaluated, and the functional significance of this variant is currently unknown. In summary, the available evidence is currently insufficient to determine the role of this variant in disease. Therefore, it has been classified as a Variant of Uncertain Significance.

GeneDx
Classification: Uncertain significance. Last evaluated: 2024-01-17. Review status: criteria provided, single submitter. Criteria: GeneDx Variant Classification Process June 2021. Collection method: clinical testing. Allele origin: germline. Affected: yes.
Comment: Alanine repeat expansion in the second polyalanine tract of the ARX protein, extending the allele to 14 repeats; Polyalanine repeat expansions of 12 or fewer repeats have been observed in unaffected adult males undergoing testing at GeneDx; Polyalanine repeat expansions of 13-19 repeats have not been previously reported in the literature, to our knowledge (HGMD)

Eurofins Ntd Llc (ga)
Classification: Uncertain significance. Last evaluated: 2013-09-26. Review status: no assertion criteria provided. Collection method: clinical testing. Allele origin: germline. Observed: 2 variant alleles, 2 heterozygotes. Not counted in ClinVar's aggregate classification.

Literature cited by the submitters: PubMed 23757202 (cited by Eurofins Ntd Llc (ga)).

NM_139058.3(ARX):c.447GGCCGC[3] (p.Ala154_Ala155dup)

Genes: ARX (aristaless related homeobox; minus strand), LOC109610631 (aristaless related homeobox polyalanine expansion region; plus strand). Cytogenetic location: Xp21.3.
Variant type: Microsatellite.
Coding change: c.447GGCCGC[3] on transcript NM_139058.3 (MANE Select); three copies in a row of the 6-base unit GGCCGC starting at c.447; the reference has two copies in a row; one copy, 6 bases duplicated; also written c.453_458dup.
Protein change: p.Ala154_Ala155dup.
Molecular consequence: inframe insertion.
Genome position (GRCh38, 1-based): chrX:25,013,537-25,013,542, GCGGCC duplicated on the plus strand (GGCCGC on the coding strand, the reverse complement: ARX is on the minus strand); duplicating any 6 consecutive bases within chrX:25,013,537-25,013,553 gives the same sequence; the position shown is the placement nearest the transcript's 3' end. VCF-style (leftmost placement, unchanged base first): chrX-25013536-G-GGCGGCC. GRCh37 (hg19) VCF-style: chrX-25031653-G-GGCGGCC.
Other names: c.453_458dup (NM_139058.2); c.453_458dupGGCCGC (NM_139058.3).
Identifiers: ClinVar variation 96456 (VCV000096456.16), dbSNP rs398124512, ClinGen allele CA224125.